The following is an entry in ClinVar:

ClinVar aggregate classification (germline): Likely benign. Review status: criteria provided, multiple submitters, no conflicts (2 of 4 stars). 3 submissions from 3 submitters: Likely benign (3). Last evaluated 2025-12-09.

Conditions:
Kabuki syndrome 2 (KABUK2). Also called: KDM6A-Related Kabuki Syndrome. Identifiers: Orphanet 2322, MedGen C3275495, MONDO:0010465, OMIM 300867.

Allele frequency attached by ClinVar (database versions not stated): TOPMed 0.00001; gnomAD 0.00003.
gnomAD v4.1: 6 of 1,117,003 alleles (0.00054%); highest among the groups gnomAD compares: Admixed American, 0.0066%; no homozygotes.

Submissions (3):

Women's Health and Genetics/Laboratory Corporation of America, LabCorp
Classification: Likely benign. Last evaluated: 2025-12-09. Review status: criteria provided, single submitter. Criteria: LabCorp Variant Classification Summary - May 2015. Collection method: clinical testing. Allele origin: germline.
Comment: Variant summary: KDM6A c.619+16T>C alters a nucleotide located at a position not widely known to affect splicing. Consensus agreement among computation tools predict no significant impact on normal splicing. However, these predictions have yet to be confirmed by functional studies. The variant was absent in 183329 control chromosomes. The available data on variant occurrences in the general population are insufficient to allow any conclusion about variant significance. To our knowledge, no occurrence of c.619+16T>C in individuals affected with KDM6A-related conditions and no experimental evidence demonstrating its impact on protein function have been reported. ClinVar contains an entry for this variant (Variation ID: 1536637). Based on the evidence outlined above, the variant was classified as likely benign.

Labcorp Genetics (formerly Invitae), Labcorp
Classification: Likely benign for Kabuki syndrome 2. Last evaluated: 2024-08-28. Review status: criteria provided, single submitter. Criteria: Invitae Variant Classification Sherloc (09022015). Collection method: clinical testing. Allele origin: germline.

Blueprint Genetics
Classification: Likely benign. Last evaluated: 2024-06-14. Review status: criteria provided, single submitter. Criteria: ACMG Guidelines, 2015. Collection method: clinical testing. Allele origin: germline.

Literature cited by the submitters: PubMed 25225064 (cited by Women's Health and Genetics/Laboratory Corporation of America, LabCorp); PubMed 21828135 (cited by Women's Health and Genetics/Laboratory Corporation of America, LabCorp); PubMed 22377896 (cited by Women's Health and Genetics/Laboratory Corporation of America, LabCorp); PubMed 29479066 (cited by Women's Health and Genetics/Laboratory Corporation of America, LabCorp); PubMed 27276561 (cited by Women's Health and Genetics/Laboratory Corporation of America, LabCorp).

NM_001291415.2(KDM6A):c.619+16T>C

Gene: KDM6A (lysine demethylase 6A; plus strand). Cytogenetic location: Xp11.3.
Variant type: single nucleotide variant.
Coding change: c.619+16T>C on transcript NM_001291415.2 (MANE Select); 16 bases into the intron after coding-DNA position 619, T replaced by C.
Molecular consequence: intron variant.
Genome position (GRCh38, 1-based): chrX:45,035,001, T>C. VCF-style: chrX-45035001-T-C. GRCh37 (hg19) VCF-style: chrX-44894246-T-C.
Other names: c.619+16T>C (NM_021140.4, NM_001291416.2, NM_001291417.2 and 1 more transcripts); c.-135+16T>C (NM_001291421.2).
Identifiers: ClinVar variation 1536637 (VCV001536637.10), dbSNP rs1009865150, ClinGen allele CA329033302.